The following is an entry in ClinVar:

ClinVar aggregate classification (germline): Uncertain significance (1 of 4 stars; one submission).

Allele frequency attached by ClinVar (database versions not stated): gnomAD exomes 0.00001; TOPMed 0.00001.
gnomAD v4.1: 6 of 1,551,554 alleles (0.00039%); highest among the groups gnomAD compares: Admixed American, 0.0078%; no homozygotes.

Submission:

Labcorp Genetics (formerly Invitae), Labcorp
Classification: Uncertain significance. Last evaluated: 2024-01-04. Review status: criteria provided, single submitter. Criteria: Invitae Variant Classification Sherloc (09022015). Collection method: clinical testing. Allele origin: germline.
Comment: This sequence change replaces lysine, which is basic and polar, with arginine, which is basic and polar, at codon 295 of the FOXI3 protein (p.Lys295Arg). This variant is present in population databases (no rsID available, gnomAD 0.01%). This variant has not been reported in the literature in individuals affected with FOXI3-related conditions. Experimental studies and prediction algorithms are not available or were not evaluated, and the functional significance of this variant is currently unknown. In summary, the available evidence is currently insufficient to determine the role of this variant in disease. Therefore, it has been classified as a Variant of Uncertain Significance.

NM_001135649.3(FOXI3):c.884A>G (p.Lys295Arg)

Gene: FOXI3 (forkhead box I3; minus strand). Cytogenetic location: 2p11.2.
Variant type: single nucleotide variant.
Coding change: c.884A>G on transcript NM_001135649.3 (MANE Select); coding-DNA position 884, A replaced by G.
Protein change: p.Lys295Arg; replaces lysine 295 with arginine.
Molecular consequence: missense variant.
Genome position (GRCh38, 1-based): chr2:88,448,586, T>C on the plus strand (A>G on the coding strand, the complement: FOXI3 is on the minus strand). VCF-style: chr2-88448586-T-C. GRCh37 (hg19) VCF-style: chr2-88748105-T-C.
Other names: short protein forms K295R.
Identifiers: ClinVar variation 2989696 (VCV002989696.3), dbSNP rs1226501742, ClinGen allele CA347765073.